The following is an entry in ClinVar:

ClinVar aggregate classification (germline): Uncertain significance (1 of 4 stars; one submission).

Conditions:
Dyskeratosis congenita. Identifiers: Orphanet 1775, MedGen C0265965, MONDO:0015780.

Allele frequency attached by ClinVar (database versions not stated): TOPMed below 0.00001.

Submission:

Ambry Genetics
Classification: Uncertain significance for Dyskeratosis congenita. Last evaluated: 2022-09-28. Review status: criteria provided, single submitter. Criteria: Ambry Variant Classification Scheme 2023. Collection method: clinical testing. Allele origin: germline.
Comment: The p.V551A variant (also known as c.1652T>C), located in coding exon 3 of the TERT gene, results from a T to C substitution at nucleotide position 1652. The valine at codon 551 is replaced by alanine, an amino acid with similar properties. This amino acid position is conserved. In addition, this alteration is predicted to be tolerated by in silico analysis. Since supporting evidence is limited at this time, the clinical significance of this alteration remains unclear.

NM_198253.3(TERT):c.1652T>C (p.Val551Ala)

Gene: TERT (telomerase reverse transcriptase; minus strand). Cytogenetic location: 5p15.33.
Variant type: single nucleotide variant.
Coding change: c.1652T>C on transcript NM_198253.3 (MANE Select); coding-DNA position 1652, T replaced by C.
Protein change: p.Val551Ala; replaces valine 551 with alanine.
Molecular consequence: missense variant. On other transcripts: non-coding transcript variant (2).
Genome position (GRCh38, 1-based): chr5:1,282,546, A>G on the plus strand (T>C on the coding strand, the complement: TERT is on the minus strand). VCF-style: chr5-1282546-A-G. GRCh37 (hg19) VCF-style: chr5-1282661-A-G.
Other names: c.1652T>C, p.Val551Ala (NM_001193376.3, NM_003219.1); short protein forms V551A.
Identifiers: ClinVar variation 1777285 (VCV001777285.2), dbSNP rs1750096769, ClinGen allele CA359083210.
Genomic context (GRCh38, chr5:1,282,546, plus strand): 5'-TTCTTTTGAAACGTGGTCTCCGTGACATAAAAGAAAGACCTGAGCAGCTCGACGACGTAC[A>G]CACTCATCAGCCAGTGCAGGAACTTGGCCAGGATCTCCTCACGCAGACGGTGCTCTGCGG-3'
Protein context (NP_937983.2, residues 541-561): LAKFLHWLMS[Val551Ala]YVVELLRSFF